The following is an entry in ClinVar:

ClinVar aggregate classification (germline): Uncertain significance (1 of 4 stars; one submission).

Conditions:
Hereditary cancer-predisposing syndrome. Also called: Neoplastic Syndromes, Hereditary; Tumor predisposition; Hereditary Cancer Syndrome; Hereditary neoplastic syndrome. Identifiers: Orphanet 140162, MedGen C0027672, MeSH D009386, MONDO:0015356.

Submission:

Ambry Genetics
Classification: Uncertain significance for Hereditary cancer-predisposing syndrome. Last evaluated: 2025-10-25. Review status: criteria provided, single submitter. Criteria: Ambry Variant Classification Scheme 2023. Collection method: clinical testing. Allele origin: germline.
Comment: The p.M622R variant (also known as c.1865T>G), located in coding exon 12 of the PDGFRA gene, results from a T to G substitution at nucleotide position 1865. The methionine at codon 622 is replaced by arginine, an amino acid with similar properties. This amino acid position is conserved. In addition, this alteration is predicted to be deleterious by in silico analysis. Based on the available evidence, the clinical significance of this variant remains unclear.

NM_006206.6(PDGFRA):c.1865T>G (p.Met622Arg)

Gene: PDGFRA (platelet derived growth factor receptor alpha; plus strand). Cytogenetic location: 4q12.
Variant type: single nucleotide variant.
Coding change: c.1865T>G on transcript NM_006206.6 (MANE Select); coding-DNA position 1865, T replaced by G.
Protein change: p.Met622Arg; replaces methionine 622 with arginine.
Molecular consequence: missense variant.
Genome position (GRCh38, 1-based): chr4:54,277,466, T>G. VCF-style: chr4-54277466-T-G. GRCh37 (hg19) VCF-style: chr4-55143633-T-G.
Other names: c.1865T>G, p.Met622Arg (NM_001347827.2, NM_001347829.2); c.1940T>G, p.Met647Arg (NM_001347828.2); c.1904T>G, p.Met635Arg (NM_001347830.2); short protein forms M647R, M622R, M635R.
Identifiers: ClinVar variation 4665264 (VCV004665264.1).
Genomic context (GRCh38, chr4:54,277,466, plus strand): 5'-GAGCGTTTGGGAAGGTGGTTGAAGGAACAGCCTATGGATTAAGCCGGTCCCAACCTGTCA[T>G]GAAAGTTGCAGTGAAGATGCTAAAACGTAAGTGCTCCTTCCTGGGGATTTTTTGAGCACG-3'
Protein context (NP_006197.1, residues 612-632): AYGLSRSQPV[Met622Arg]KVAVKMLKPT